The following is an entry in ClinVar:

ClinVar aggregate classification (germline): Benign/Likely benign. Review status: criteria provided, multiple submitters, no conflicts (2 of 4 stars). 3 submissions from 3 submitters: Benign (2); Likely benign (1). Last evaluated 2021-05-16.

Conditions:
Sideroblastic anemia 2. Also called: Anemia, sideroblastic, 2, pyridoxine-refractory. Identifiers: Orphanet 260305, MedGen C4225425, MONDO:0008785, OMIM 205950.

Allele frequency attached by ClinVar (database versions not stated): 1000 Genomes Project 0.07428; 1000 Genomes Project 30x 0.07808; gnomAD exomes 0.09361; TOPMed 0.12579; gnomAD 0.12664 and 0.12968.
gnomAD v4.1: 20,415 of 164,102 alleles (12%); highest among the groups gnomAD compares: Middle Eastern, 19%; 1,493 homozygotes.

Submissions (3):

GeneDx
Classification: Benign. Last evaluated: 2021-05-16. Review status: criteria provided, single submitter. Criteria: GeneDx Variant Classification Process June 2021. Collection method: clinical testing. Allele origin: germline. Affected: yes.

Illumina Laboratory Services, Illumina
Classification: Benign for Sideroblastic anemia 2. Last evaluated: 2018-01-13. Review status: criteria provided, single submitter. Criteria: ICSL Variant Classification Criteria 13 December 2019. Collection method: clinical testing. Allele origin: germline.
Comment: This variant was observed in the ICSL laboratory as part of a predisposition screen in an ostensibly healthy population. It had not been previously curated by ICSL or reported in the Human Gene Mutation Database (HGMD: prior to June 1st, 2018), and was therefore a candidate for classification through an automated scoring system. Utilizing variant allele frequency, disease prevalence and penetrance estimates, and inheritance mode, an automated score was calculated to assess if this variant is too frequent to cause the disease. Based on the score and internal cut-off values, a variant classified as benign is not then subjected to further curation. The score for this variant resulted in a classification of benign for this disease.

Breakthrough Genomics
Classification: Likely benign. Review status: criteria provided, single submitter. Criteria: ACMG Guidelines, 2015. Collection method: not provided. Allele origin: germline. Inheritance: Autosomal recessive inheritance. Affected: yes.

NM_017875.4(SLC25A38):c.*588T>A

Gene: SLC25A38 (solute carrier family 25 member 38; plus strand). Cytogenetic location: 3p22.1.
Variant type: single nucleotide variant.
Coding change: c.*588T>A on transcript NM_017875.4 (MANE Select); 588 bases downstream of the stop codon, T replaced by A.
Molecular consequence: 3 prime UTR variant.
Genome position (GRCh38, 1-based): chr3:39,397,108, T>A. VCF-style: chr3-39397108-T-A. GRCh37 (hg19) VCF-style: chr3-39438599-T-A.
Other names: c.*588T>A (LRG_1133t1); c.*622T>A (NM_001354798.2).
Identifiers: ClinVar variation 345159 (VCV000345159.9), dbSNP rs6890, ClinGen allele CA10616373.
Genomic context (GRCh38, chr3:39,397,108, plus strand): 5'-TCTCAGAGGCTCTGGAGAACGGGACAGTGGCTTTCTAGCCTCTGAATGTTCCAAATAAAA[T>A]TTTTTGGTCTTGGCCCCTGTACTGTTTTACCTCTAAATTCTGGCATTTTTTTTTCCCTGC-3'